The following is an entry in ClinVar:

ClinVar aggregate classification (germline): Uncertain significance (1 of 4 stars; one submission).

Allele frequency attached by ClinVar (database versions not stated): gnomAD exomes below 0.00001.
gnomAD v4.1: 1 of 1,596,366 alleles (0.000063%); highest among the groups gnomAD compares: South Asian, 0.0011%; no homozygotes.

Submission:

Labcorp Genetics (formerly Invitae), Labcorp
Classification: Uncertain significance. Last evaluated: 2022-09-27. Review status: criteria provided, single submitter. Criteria: Invitae Variant Classification Sherloc (09022015). Collection method: clinical testing. Allele origin: germline.
Comment: Algorithms developed to predict the effect of missense changes on protein structure and function are either unavailable or do not agree on the potential impact of this missense change (SIFT: "Deleterious"; PolyPhen-2: "Not Available"; Align-GVGD: "Class C0"). This variant has not been reported in the literature in individuals affected with PCLO-related conditions. This variant is not present in population databases (gnomAD no frequency). This sequence change replaces glutamic acid, which is acidic and polar, with glycine, which is neutral and non-polar, at codon 4805 of the PCLO protein (p.Glu4805Gly). In summary, the available evidence is currently insufficient to determine the role of this variant in disease. Therefore, it has been classified as a Variant of Uncertain Significance.

NM_033026.6(PCLO):c.14414A>G (p.Glu4805Gly)

Gene: PCLO (piccolo presynaptic cytomatrix protein; minus strand). Cytogenetic location: 7q21.11.
Variant type: single nucleotide variant.
Coding change: c.14414A>G on transcript NM_033026.6 (MANE Select); coding-DNA position 14414, A replaced by G.
Protein change: p.Glu4805Gly; replaces glutamic acid 4805 with glycine.
Molecular consequence: missense variant.
Genome position (GRCh38, 1-based): chr7:82,826,590, T>C on the plus strand (A>G on the coding strand, the complement: PCLO is on the minus strand). VCF-style: chr7-82826590-T-C. GRCh37 (hg19) VCF-style: chr7-82455906-T-C.
Other names: c.14414A>G, p.Glu4805Gly (NM_014510.3); short protein forms E4805G.
Identifiers: ClinVar variation 1718378 (VCV001718378.5), dbSNP rs2535271322, ClinGen allele CA368020589.